The following is an entry in ClinVar:

NM_006883.2(SHOX):c.676T>C (p.Ter226Arg)

Gene: SHOX (SHOX homeobox; plus strand). Cytogenetic location: Xp22.33.
Variant type: single nucleotide variant.
Coding change: c.676T>C on transcript NM_006883.2; coding-DNA position 676, T replaced by C.
Protein change: p.Ter226Arg.
Molecular consequence: stop lost.
Genome position (GRCh38, 1-based): chrX:658,827, T>C. VCF-style: chrX-658827-T-C. GRCh37 (hg19) VCF-style: chrX-619562-T-C.
Identifiers: ClinVar variation 803710 (VCV000803710.41), dbSNP rs778160013, ClinGen allele CA10330195.

ClinVar aggregate classification (germline): Conflicting classifications of pathogenicity. Review status: criteria provided, conflicting classifications (1 of 4 stars). 6 submissions from 6 submitters: Uncertain significance (3); Benign (1); Likely benign (2). Last evaluated 2024-08-06.

Conditions:
SHOX-related short stature. Also called: SHORT STATURE, IDIOPATHIC, X-LINKED. Identifiers: Orphanet 314795, MedGen C1845118, MONDO:0010367, OMIM 300582. Disease mechanism: loss of function.

Allele frequency attached by ClinVar (database versions not stated): gnomAD 0.00286 and 0.00291; ExAC 0.00352; gnomAD exomes 0.00137 and 0.00202; TOPMed 0.00261; 1000 Genomes Project 30x 0.00104; 1000 Genomes Project 0.00079.
gnomAD v4.1: 927 of 402,710 alleles (0.23%); highest among the groups gnomAD compares: South Asian, 0.29%; 3 homozygotes.

Submissions (6):

Athena Diagnostics
Classification: Benign. Last evaluated: 2024-08-06. Review status: criteria provided, single submitter. Criteria: Athena Diagnostics Criteria. Collection method: clinical testing. Allele origin: unknown.

Blueprint Genetics
Classification: Likely benign. Last evaluated: 2024-06-13. Review status: criteria provided, single submitter. Criteria: ACMG Guidelines, 2015. Collection method: clinical testing. Allele origin: germline.

GeneDx
Classification: Uncertain significance. Last evaluated: 2023-02-06. Review status: criteria provided, single submitter. Criteria: GeneDx Variant Classification Process June 2021. Collection method: clinical testing. Allele origin: germline. Affected: yes.
Comment: Variant reported in 2 family members clinically diagnosed with Leri-Weill dyschondosteosis in the published literature (Ross et al., 2005); Normal stop codon changed to an arginine codon, leading to the addition of 22 amino acids at the C-terminus; Reported using an alternate transcript of the gene; This variant is associated with the following publications: (PMID: 16227037, 34426522)

ARUP Laboratories, Molecular Genetics and Genomics, ARUP Laboratories
Classification: Uncertain significance. Last evaluated: 2022-05-11. Review status: criteria provided, single submitter. Criteria: ARUP Molecular Germline Variant Investigation Process 2021. Collection method: clinical testing. Allele origin: germline.
Comment: The SHOX c.676T>C; p.Ter226Argext*22 variant (rs778160013) is reported in the literature in individuals affected with Leri-Weill dyschondrosteosis, short stature, or suboptimal growth (Hirschfeldova 2017, Rappold 2007, Ross 2005, Shapiro 2015). This variant is found in the general population with an overall allele frequency of 0.17% (217/129562 alleles, including one homozygote) in the Genome Aggregation Database. This variant occurs in the stop codon of alternative exon 6b and causes an extension of 22 amino acids. However, due to limited information, the clinical significance of this variant is uncertain at this time. References: Hirschfeldova K et al. Detection of SHOX gene aberrations in routine diagnostic practice and evaluation of phenotype scoring form effectiveness. J Hum Genet. 2017 Feb;62(2):253-257. Rappold G et al. Genotypes and phenotypes in children with short stature: clinical indicators of SHOX haploinsufficiency. J Med Genet. 2007 May;44(5):306-13. Ross JL et al. The phenotype of short stature homeobox gene (SHOX) deficiency in childhood: contrasting children with Leri-Weill dyschondrosteosis and Turner syndrome. J Pediatr. 2005 Oct;147(4):499-507. Shapiro S et al. SHOX gene variants: growth hormone/insulin-like growth factor-1 status and response to growth hormone treatment. Horm Res Paediatr. 2015;83(1):26-35.

CeGaT Center for Human Genetics Tuebingen
Classification: Likely benign. Last evaluated: 2022-05-01. Review status: criteria provided, single submitter. Criteria: CeGaT Center For Human Genetics Tuebingen Variant Classification Criteria Version 2. Collection method: clinical testing. Allele origin: germline. Affected: yes. Observed: 1 variant allele.
Comment: SHOX: PM4, BS2

Mendelics
Classification: Uncertain significance for SHOX-related short stature. Last evaluated: 2019-05-28. Review status: criteria provided, single submitter. Criteria: Mendelics Assertion Criteria 2017. Collection method: clinical testing. Allele origin: unknown.

Literature cited by the submitters: PubMed 27708272 (cited by Athena Diagnostics); PubMed 25659810 (cited by Athena Diagnostics); PubMed 16227037 (cited by Athena Diagnostics); PubMed 17182655 (cited by Athena Diagnostics).